The following is an entry in ClinVar:

NM_152365.3(KDF1):c.657C>A (p.Phe219Leu)

Gene: KDF1 (keratinocyte differentiation factor 1; minus strand). Cytogenetic location: 1p36.11.
Variant type: single nucleotide variant.
Coding change: c.657C>A on transcript NM_152365.3 (MANE Select); coding-DNA position 657, C replaced by A.
Protein change: p.Phe219Leu; replaces phenylalanine 219 with leucine.
Molecular consequence: missense variant.
Genome position (GRCh38, 1-based): chr1:26,951,724, G>T on the plus strand (C>A on the coding strand, the complement: KDF1 is on the minus strand). VCF-style: chr1-26951724-G-T. GRCh37 (hg19) VCF-style: chr1-27278215-G-T.
Other names: c.657C>A (NM_152365.2); short protein forms F219L.
Identifiers: ClinVar variation 2049806 (VCV002049806.7), dbSNP rs141390568, ClinGen allele CA710255.
Genomic context (GRCh38, chr1:26,951,724, plus strand): 5'-AATTTCTCGGCTCGACATGGAGCCACTGCCCATCTCCGGCAGGTCCAGGTCCGACTCATG[G>T]AAAGAATAGTACTCCTCGGAGCCACGAGGACTACTGGCAAAGGTGCTGGGCAGGCTGTGT-3'
Protein context (NP_689578.2, residues 209-229): SPRGSEEYYS[Phe219Leu]HESDLDLPEM

ClinVar aggregate classification (germline): Likely benign. Review status: criteria provided, multiple submitters, no conflicts (2 of 4 stars). 3 submissions from 3 submitters: Likely benign (2). 1 of the submissions does not count toward it. Last evaluated 2025-10-22.

Conditions:
KDF1-related disorder. Also called: KDF1-related condition.
Ectodermal dysplasia 12, hypohidrotic/hair/tooth/nail type (ECTD12). Identifiers: MedGen C4310616, MONDO:0015024, OMIM 617337.

Allele frequency attached by ClinVar (database versions not stated): ESP Exome Variant Server 0.00008; gnomAD exomes 0.00029; gnomAD 0.00040; 1000 Genomes Project 0.00060; ExAC 0.00063; TOPMed 0.00064; 1000 Genomes Project 30x 0.00078.
gnomAD v4.1: 514 of 1,614,018 alleles (0.032%); highest among the groups gnomAD compares: Middle Eastern, 0.45%; 4 homozygotes.

Submissions (3):

Labcorp Genetics (formerly Invitae), Labcorp
Classification: Likely benign. Last evaluated: 2025-10-22. Review status: criteria provided, single submitter. Criteria: Invitae Variant Classification Sherloc (09022015). Collection method: clinical testing. Allele origin: germline.

Molecular Genetics, Royal Melbourne Hospital
Classification: Likely benign for Ectodermal dysplasia 12, hypohidrotic/hair/tooth/nail type. Last evaluated: 2023-05-04. Review status: criteria provided, single submitter. Criteria: ACMG Guidelines, 2015. Collection method: clinical testing. Allele origin: germline. Affected: no.
Comment: Latino/Admixed American population allele frequency is 0.1669% (rs141390568, 176/251236 alleles, 1 homozygotes in gnomAD v2.1). Based on the classification scheme RMH Modified ACMG/AMP Guidelines v1.5.1, this variant is classified as LIKELY BENIGN. Following criteria are met: BS1

PreventionGenetics, part of Exact Sciences
Classification: Likely benign for KDF1-related condition. Last evaluated: 2019-06-10. Review status: no assertion criteria provided. Collection method: clinical testing. Allele origin: germline. Not counted in ClinVar's aggregate classification.
Comment: This variant is classified as likely benign based on ACMG/AMP sequence variant interpretation guidelines (Richards et al. 2015 PMID: 25741868, with internal and published modifications).